The following is an entry in ClinVar:

ClinVar aggregate classification (germline): Uncertain significance (1 of 4 stars; one submission).

gnomAD v4.1: 1 of 1,581,590 alleles (0.000063%); highest among the groups gnomAD compares: Non-Finnish European, 0.000086%; no homozygotes.

Submission:

Women's Health and Genetics/Laboratory Corporation of America, LabCorp
Classification: Uncertain significance. Last evaluated: 2025-12-31. Review status: criteria provided, single submitter. Criteria: LabCorp Variant Classification Summary - May 2015. Collection method: clinical testing. Allele origin: germline.
Comment: Variant summary: ZNF407 c.5444C>T (p.Ser1815Leu) results in a non-conservative amino acid change in the encoded protein sequence. Algorithms developed to predict the effect of missense changes on protein structure and function are either unavailable or do not agree on the potential impact of this missense change. The variant was absent in 227238 control chromosomes. The available data on variant occurrences in the general population are insufficient to allow any conclusion about variant significance. To our knowledge, no occurrence of c.5444C>T in individuals affected with ZNF407-related conditions and no experimental evidence demonstrating its impact on protein function have been reported. No submitters have cited clinical-significance assessments for this variant to ClinVar. Based on the evidence outlined above, the variant was classified as uncertain significance.

NM_017757.3(ZNF407):c.5444C>T (p.Ser1815Leu)

Gene: ZNF407 (zinc finger protein 407; plus strand). Cytogenetic location: 18q22.3.
Variant type: single nucleotide variant.
Coding change: c.5444C>T on transcript NM_017757.3 (MANE Select); coding-DNA position 5444, C replaced by T.
Protein change: p.Ser1815Leu; replaces serine 1815 with leucine.
Molecular consequence: missense variant.
Genome position (GRCh38, 1-based): chr18:75,063,165, C>T. VCF-style: chr18-75063165-C-T. GRCh37 (hg19) VCF-style: chr18-72775121-C-T.
Other names: c.5444C>T, p.Ser1815Leu (NM_001384475.1); short protein forms S1815L.
Identifiers: ClinVar variation 4688840 (VCV004688840.1).